The following is an entry in ClinVar:

NM_003850.3(SUCLA2):c.453A>G (p.Ile151Met)

Gene: SUCLA2 (succinate-CoA ligase ADP-forming subunit beta; minus strand). Cytogenetic location: 13q14.2.
Variant type: single nucleotide variant.
Coding change: c.453A>G on transcript NM_003850.3 (MANE Select); coding-DNA position 453, A replaced by G.
Protein change: p.Ile151Met; replaces isoleucine 151 with methionine.
Molecular consequence: missense variant.
Genome position (GRCh38, 1-based): chr13:47,988,622, T>C on the plus strand (A>G on the coding strand, the complement: SUCLA2 is on the minus strand). VCF-style: chr13-47988622-T-C. GRCh37 (hg19) VCF-style: chr13-48562757-T-C.
Other names: short protein forms I151M.
Identifiers: ClinVar variation 3364595 (VCV003364595.1).

ClinVar aggregate classification (germline): Uncertain significance (1 of 4 stars; one submission).

Submission:

GeneDx
Classification: Uncertain significance. Last evaluated: 2023-11-21. Review status: criteria provided, single submitter. Criteria: GeneDx Variant Classification Process June 2021. Collection method: clinical testing. Allele origin: germline. Affected: yes.
Comment: Not observed at significant frequency in large population cohorts (gnomAD); In silico analysis supports that this missense variant does not alter protein structure/function; Has not been previously published as pathogenic or benign to our knowledge